The following is an entry in ClinVar:

NM_001197104.2(KMT2A):c.3810G>C (p.Lys1270Asn)

Gene: KMT2A (lysine methyltransferase 2A; plus strand). Cytogenetic location: 11q23.3.
Variant type: single nucleotide variant.
Coding change: c.3810G>C on transcript NM_001197104.2 (MANE Select); coding-DNA position 3810, G replaced by C.
Protein change: p.Lys1270Asn; replaces lysine 1270 with asparagine.
Molecular consequence: missense variant.
Genome position (GRCh38, 1-based): chr11:118,481,890, G>C. VCF-style: chr11-118481890-G-C. GRCh37 (hg19) VCF-style: chr11-118352605-G-C.
Other names: c.3909G>C, p.Lys1303Asn (NM_001412597.1); c.3810G>C, p.Lys1270Asn (NM_005933.4); short protein forms K1270N, K1303N.
Identifiers: ClinVar variation 3690916 (VCV003690916.2).

ClinVar aggregate classification (germline): Uncertain significance (1 of 4 stars; one submission).

gnomAD v4.1: 3 of 1,614,228 alleles (0.00019%); highest among the groups gnomAD compares: South Asian, 0.0011%; no homozygotes.

Submission:

Labcorp Genetics (formerly Invitae), Labcorp
Classification: Uncertain significance. Last evaluated: 2024-10-22. Review status: criteria provided, single submitter. Criteria: Invitae Variant Classification Sherloc (09022015). Collection method: clinical testing. Allele origin: germline.
Comment: This sequence change replaces lysine, which is basic and polar, with asparagine, which is neutral and polar, at codon 1270 of the KMT2A protein (p.Lys1270Asn). This variant is present in population databases (rs782220474, gnomAD 0.002%). This variant has not been reported in the literature in individuals affected with KMT2A-related conditions. Invitae Evidence Modeling of protein sequence and biophysical properties (such as structural, functional, and spatial information, amino acid conservation, physicochemical variation, residue mobility, and thermodynamic stability) has been performed for this missense variant. However, the output from this modeling did not meet the statistical confidence thresholds required to predict the impact of this variant on KMT2A protein function. In summary, the available evidence is currently insufficient to determine the role of this variant in disease. Therefore, it has been classified as a Variant of Uncertain Significance.